The following is an entry in ClinVar:

NM_006206.6(PDGFRA):c.2132A>G (p.Asn711Ser)

Gene: PDGFRA (platelet derived growth factor receptor alpha; plus strand). Cytogenetic location: 4q12.
Variant type: single nucleotide variant.
Coding change: c.2132A>G on transcript NM_006206.6 (MANE Select); coding-DNA position 2132, A replaced by G.
Protein change: p.Asn711Ser; replaces asparagine 711 with serine.
Molecular consequence: missense variant.
Genome position (GRCh38, 1-based): chr4:54,278,491, A>G. VCF-style: chr4-54278491-A-G. GRCh37 (hg19) VCF-style: chr4-55144658-A-G.
Other names: c.2132A>G, p.Asn711Ser (NM_001347827.2, NM_001347829.2); c.2207A>G, p.Asn736Ser (NM_001347828.2); c.2171A>G, p.Asn724Ser (NM_001347830.2); short protein forms N711S, N724S, N736S.
Identifiers: ClinVar variation 459039 (VCV000459039.11), dbSNP rs1553905039, ClinGen allele CA356894120.

ClinVar aggregate classification (germline): Uncertain significance. Review status: criteria provided, multiple submitters, no conflicts (2 of 4 stars). 2 submissions from 2 submitters: Uncertain significance (2). Last evaluated 2021-07-11.

Conditions:
Hereditary cancer-predisposing syndrome. Also called: Tumor predisposition; Hereditary neoplastic syndrome; Neoplastic Syndromes, Hereditary; Hereditary Cancer Syndrome. Identifiers: Orphanet 140162, MedGen C0027672, MeSH D009386, MONDO:0015356.
Gastrointestinal stromal tumor. Also called: Gastrointestinal stroma tumor; Gastrointestinal stromal tumor, somatic. Identifiers: Orphanet 44890, MedGen C0238198, MeSH D046152, MONDO:0011719, OMIM 606764, HP:0100723.

Allele frequency attached by ClinVar (database versions not stated): gnomAD exomes below 0.00001.
gnomAD v4.1: 2 of 1,614,014 alleles (0.00012%); highest among the groups gnomAD compares: South Asian, 0.0011%; no homozygotes.

Submissions (2):

Ambry Genetics
Classification: Uncertain significance for Hereditary cancer-predisposing syndrome. Last evaluated: 2021-07-11. Review status: criteria provided, single submitter. Criteria: Ambry Variant Classification Scheme 2023. Collection method: clinical testing. Allele origin: germline.
Comment: The p.N711S variant (also known as c.2132A>G), located in coding exon 14 of the PDGFRA gene, results from an A to G substitution at nucleotide position 2132. The asparagine at codon 711 is replaced by serine, an amino acid with highly similar properties. This amino acid position is conserved. In addition, this alteration is predicted to be tolerated by in silico analysis. Since supporting evidence is limited at this time, the clinical significance of this alteration remains unclear.

Labcorp Genetics (formerly Invitae), Labcorp
Classification: Uncertain significance for Gastrointestinal stromal tumor. Last evaluated: 2017-04-10. Review status: criteria provided, single submitter. Criteria: Invitae Variant Classification Sherloc (09022015). Collection method: clinical testing. Allele origin: germline.
Comment: In summary, this variant is a novel missense change that is not predicted to affect protein function. There is no indication that it causes disease, but the available evidence is currently insufficient to prove that conclusively. Therefore, it has been classified as a Variant of Uncertain Significance. Algorithms developed to predict the effect of missense changes on protein structure and function (SIFT, PolyPhen-2, Align-GVGD) all suggest that this variant is likely to be tolerated, but these predictions have not been confirmed by published functional studies. This variant is not present in population databases (ExAC no frequency) and has not been reported in the literature in individuals with a PDGFRA-related disease. This sequence change replaces asparagine with serine at codon 711 of the PDGFRA protein (p.Asn711Ser). The asparagine residue is moderately conserved and there is a small physicochemical difference between asparagine and serine.